The following is an entry in ClinVar:

NM_005633.4(SOS1):c.1412G>C (p.Cys471Ser)

Gene: SOS1 (SOS Ras/Rac guanine nucleotide exchange factor 1; minus strand). Cytogenetic location: 2p22.1.
Variant type: single nucleotide variant.
Coding change: c.1412G>C on transcript NM_005633.4 (MANE Select); coding-DNA position 1412, G replaced by C.
Protein change: p.Cys471Ser; replaces cysteine 471 with serine.
Molecular consequence: missense variant.
Genome position (GRCh38, 1-based): chr2:39,023,016, C>G on the plus strand (G>C on the coding strand, the complement: SOS1 is on the minus strand). VCF-style: chr2-39023016-C-G. GRCh37 (hg19) VCF-style: chr2-39250157-C-G.
Other names: c.1391G>C, p.Cys464Ser (NM_001382394.1); c.1412G>C, p.Cys471Ser (NM_001382395.1); short protein forms C471S, C464S.
Identifiers: ClinVar variation 45346 (VCV000045346.9), dbSNP rs397517151, ClinGen allele CA261721.

ClinVar aggregate classification (germline): Uncertain significance. Review status: criteria provided, multiple submitters, no conflicts (2 of 4 stars). 4 submissions from 3 submitters: Uncertain significance (4). Last evaluated 2018-09-01.

Conditions:
Noonan syndrome and Noonan-related syndrome. Identifiers: Orphanet 98733, MedGen C5681679, MONDO:0020297.
Noonan syndrome 4 (NS4). Also called: SOS1-Related Noonan Syndrome; NOONAN SYNDROME WITH PIGMENTED VILLONODULAR SYNOVITIS. Identifiers: Orphanet 648, MedGen C1853120, MONDO:0012547, OMIM 610733.
Fibromatosis, gingival, 1 (GINGF1). Identifiers: Orphanet 2024, MedGen C4551558, MONDO:0007609, OMIM 135300.

Allele frequency attached by ClinVar (database versions not stated): gnomAD exomes 0.00001.
gnomAD v4.1: 3 of 1,613,630 alleles (0.00019%); no homozygotes.

Submissions (4):

Genome Diagnostics Laboratory, The Hospital for Sick Children
Classification: Uncertain significance for Noonan syndrome and Noonan-related syndrome. Last evaluated: 2018-09-01. Review status: criteria provided, single submitter. Criteria: ACMG Guidelines, 2015. Collection method: clinical testing. Allele origin: germline.

Laboratory for Molecular Medicine, Mass General Brigham Personalized Medicine
Classification: Uncertain significance. Last evaluated: 2017-11-07. Review status: criteria provided, single submitter. Criteria: LMM Criteria. Collection method: clinical testing. Allele origin: germline. Observed: 2 variant alleles.
Comment: It has also been identified in 1/22250 Finnish chromosomes by the Genome Aggregation Database (gnomAD; dbSNP rs397517151). Computational prediction tools an d conservation analysis do not provide strong support for or against an impact t o the protein. In summary, the clinical significance of the p.Cys471Ser variant is uncertain. ACMG/AMP criteria applied: PM2, PS4_Supporting.

Genome-Nilou Lab
Classification: Uncertain significance for Noonan syndrome 4. Review status: criteria provided, single submitter. Criteria: ACMG Guidelines, 2015. Collection method: clinical testing. Allele origin: germline.

Genome-Nilou Lab
Classification: Uncertain significance for Fibromatosis, gingival, 1. Review status: criteria provided, single submitter. Criteria: ACMG Guidelines, 2015. Collection method: clinical testing. Allele origin: germline.